The following is an entry in ClinVar:

ClinVar aggregate classification (germline): Uncertain significance. Review status: criteria provided, multiple submitters, no conflicts (2 of 4 stars). 2 submissions from 2 submitters: Uncertain significance (2). Last evaluated 2024-10-28.

Conditions:
Familial thoracic aortic aneurysm and aortic dissection (TAAD). Also called: Thoracic aortic aneurysms and dissections. Identifiers: Orphanet 91387, MedGen C4707243, MONDO:0019625.

Allele frequency attached by ClinVar (database versions not stated): gnomAD exomes below 0.00001; gnomAD 0.00001.
gnomAD v4.1: 5 of 1,614,108 alleles (0.00031%); highest among the groups gnomAD compares: East Asian, 0.0067%; no homozygotes.

Submissions (2):

Labcorp Genetics (formerly Invitae), Labcorp
Classification: Uncertain significance for Familial thoracic aortic aneurysm and aortic dissection. Last evaluated: 2024-10-28. Review status: criteria provided, single submitter. Criteria: Invitae Variant Classification Sherloc (09022015). Collection method: clinical testing. Allele origin: germline.
Comment: This sequence change replaces serine, which is neutral and polar, with leucine, which is neutral and non-polar, at codon 199 of the TGFBR2 protein (p.Ser199Leu). This variant is present in population databases (no rsID available, gnomAD 0.01%). This variant has not been reported in the literature in individuals affected with TGFBR2-related conditions. ClinVar contains an entry for this variant (Variation ID: 1008678). Invitae Evidence Modeling of protein sequence and biophysical properties (such as structural, functional, and spatial information, amino acid conservation, physicochemical variation, residue mobility, and thermodynamic stability) indicates that this missense variant is not expected to disrupt TGFBR2 protein function with a negative predictive value of 95%. In summary, the available evidence is currently insufficient to determine the role of this variant in disease. Therefore, it has been classified as a Variant of Uncertain Significance.

Color Diagnostics, LLC DBA Color Health
Classification: Uncertain significance for Familial thoracic aortic aneurysm and aortic dissection. Last evaluated: 2024-03-06. Review status: criteria provided, single submitter. Criteria: ACMG Guidelines, 2015. Collection method: clinical testing. Allele origin: germline.
Comment: This missense variant replaces serine with leucine at codon 199 of the TGFBR2 protein. Computational prediction suggests that this variant may not impact protein structure and function (internally defined REVEL score threshold <= 0.5, PMID: 27666373). To our knowledge, functional studies have not been reported for this variant. This variant has not been reported in individuals affected with TGFBR2-related disorders in the literature. This variant has been identified in 2/282594 chromosomes in the general population by the Genome Aggregation Database (gnomAD). The available evidence is insufficient to determine the role of this variant in disease conclusively. Therefore, this variant is classified as a Variant of Uncertain Significance.

NM_003242.6(TGFBR2):c.596C>T (p.Ser199Leu)

Gene: TGFBR2 (transforming growth factor beta receptor 2; plus strand). Cytogenetic location: 3p24.1.
Variant type: single nucleotide variant.
Coding change: c.596C>T on transcript NM_003242.6 (MANE Select); coding-DNA position 596, C replaced by T.
Protein change: p.Ser199Leu; replaces serine 199 with leucine.
Molecular consequence: missense variant.
Genome position (GRCh38, 1-based): chr3:30,671,779, C>T. VCF-style: chr3-30671779-C-T. GRCh37 (hg19) VCF-style: chr3-30713271-C-T.
Other names: c.671C>T, p.Ser224Leu (NM_001024847.3); c.779C>T, p.Ser260Leu (NM_001407126.1); c.704C>T, p.Ser235Leu (NM_001407127.1); c.623C>T, p.Ser208Leu (NM_001407128.1); c.599C>T, p.Ser200Leu (NM_001407129.1); c.596C>T, p.Ser199Leu (NM_001407130.1); c.491C>T, p.Ser164Leu (NM_001407132.1, NM_001407133.1, NM_001407134.1 and 2 more transcripts); c.311C>T, p.Ser104Leu (NM_001407137.1); and 1 more; short protein forms S199L, S224L, S200L, S79L, S164L, S104L, S208L, S235L.
Identifiers: ClinVar variation 1008678 (VCV001008678.7), dbSNP rs1431838247, ClinGen allele CA351807448.
Genomic context (GRCh38, chr3:30,671,779, plus strand): 5'-CCATATCTGTCATCATCATCTTCTACTGCTACCGCGTTAACCGGCAGCAGAAGCTGAGTT[C>T]AACCTGGGAAACCGGCAAGACGCGGAAGCTCATGGAGTTCAGCGAGCACTGTGCCATCAT-3'
Protein context (NP_003233.4, residues 189-209): YRVNRQQKLS[Ser199Leu]TWETGKTRKL